The following is an entry in ClinVar:

NM_001127222.2(CACNA1A):c.6189+74A>C

Gene: CACNA1A (calcium voltage-gated channel subunit alpha1 A; minus strand). Cytogenetic location: 19p13.13.
Variant type: single nucleotide variant.
Coding change: c.6189+74A>C on transcript NM_001127222.2 (MANE Select); 74 bases into the intron after coding-DNA position 6189, A replaced by C.
Molecular consequence: intron variant.
Genome position (GRCh38, 1-based): chr19:13,212,310, T>G on the plus strand (A>C on the coding strand, the complement: CACNA1A is on the minus strand). VCF-style: chr19-13212310-T-G. GRCh37 (hg19) VCF-style: chr19-13323124-T-G.
Other names: c.6192+74A>C (NM_001127221.2); c.6198+74A>C (NM_001174080.2); c.6207+74A>C (NM_000068.4, NM_023035.3).
Identifiers: ClinVar variation 1183554 (VCV001183554.7), dbSNP rs16048, ClinGen allele CA14670601.

ClinVar aggregate classification (germline): Benign. Review status: criteria provided, multiple submitters, no conflicts (2 of 4 stars). 7 submissions from 4 submitters: Benign (7). Last evaluated 2024-07-15.

Conditions:
Episodic ataxia type 2 (EA2). Also called: ACETAZOLAMIDE-RESPONSIVE HEREDITARY PAROXYSMAL CEREBELLAR ATAXIA; EPISODIC ATAXIA, NYSTAGMUS-ASSOCIATED; ATAXIA, EPISODIC, WITH NYSTAGMUS; ATAXIA, FAMILIAL PAROXYSMAL; CEREBELLAR ATAXIA, PAROXYSMAL, ACETAZOLAMIDE-RESPONSIVE; CEREBELLOPATHY, HEREDITARY PAROXYSMAL. Identifiers: Orphanet 97, MedGen C1720416, MONDO:0007163, OMIM 108500.
Migraine, familial hemiplegic, 1. Also called: MIGRAINE, FAMILIAL HEMIPLEGIC 1, WITH PROGRESSIVE CEREBELLAR ATAXIA. Identifiers: Orphanet 569, MedGen C1832884, MONDO:0020756, OMIM 141500, MONDO:0007714.
Developmental and epileptic encephalopathy, 42 (DEE42A). Also called: DEVELOPMENTAL AND EPILEPTIC ENCEPHALOPATHY 42A; EPILEPTIC ENCEPHALOPATHY, EARLY INFANTILE, 42A; Epileptic encephalopathy, early infantile, 42. Identifiers: MedGen C4310716, MONDO:0014917, OMIM 617106.
Spinocerebellar ataxia type 6 (SCA6). Identifiers: Orphanet 98758, MedGen C0752124, MONDO:0008457, OMIM 183086.

Allele frequency attached by ClinVar (database versions not stated): 1000 Genomes Project 30x 0.81652; 1000 Genomes Project 0.82029; TOPMed 0.84780.
gnomAD v4.1: 1,365,031 of 1,550,594 alleles (88%); highest among the groups gnomAD compares: Non-Finnish European, 90%; 602,274 homozygotes.

Submissions (7):

Unidad de Genómica Garrahan, Hospital de Pediatría Garrahan
Classification: Benign. Last evaluated: 2024-07-15. Review status: criteria provided, single submitter. Criteria: ACMG Guidelines, 2015. Collection method: clinical testing. Allele origin: germline. Affected: no. Observed: 87 variant alleles.
Comment: This variant is classified as Benign based on local population frequency. This variant was detected in 94% of patients studied in a panel designed for Epileptic and Developmental Encephalopathy and Progressive Myoclonus Epilepsy. Number of patients: 87. Only high quality variants are reported.

Genome-Nilou Lab
Classification: Benign for Developmental and epileptic encephalopathy, 42. Last evaluated: 2021-07-14. Review status: criteria provided, single submitter. Criteria: ACMG Guidelines, 2015. Collection method: clinical testing. Allele origin: germline. Affected: no.

Genome-Nilou Lab
Classification: Benign for Episodic ataxia type 2. Last evaluated: 2021-07-14. Review status: criteria provided, single submitter. Criteria: ACMG Guidelines, 2015. Collection method: clinical testing. Allele origin: germline. Affected: no.

Genome-Nilou Lab
Classification: Benign for Migraine, familial hemiplegic, 1. Last evaluated: 2021-07-14. Review status: criteria provided, single submitter. Criteria: ACMG Guidelines, 2015. Collection method: clinical testing. Allele origin: germline. Affected: no.

Genome-Nilou Lab
Classification: Benign for Spinocerebellar ataxia type 6. Last evaluated: 2021-07-14. Review status: criteria provided, single submitter. Criteria: ACMG Guidelines, 2015. Collection method: clinical testing. Allele origin: germline. Affected: no.

GeneDx
Classification: Benign. Last evaluated: 2018-06-25. Review status: criteria provided, single submitter. Criteria: GeneDx Variant Classification Process June 2021. Collection method: clinical testing. Allele origin: germline. Affected: yes.

Breakthrough Genomics
Classification: Benign. Review status: criteria provided, single submitter. Criteria: ACMG Guidelines, 2015. Collection method: not provided. Allele origin: germline. Inheritance: Autosomal dominant inheritance. Affected: yes.